The following is an entry in ClinVar:

NM_017780.4(CHD7):c.3526C>T (p.Gln1176Ter)

Gene: CHD7 (chromodomain helicase DNA binding protein 7; plus strand). Cytogenetic location: 8q12.2.
Variant type: single nucleotide variant.
Coding change: c.3526C>T on transcript NM_017780.4 (MANE Select); coding-DNA position 3526, C replaced by T.
Protein change: p.Gln1176Ter; replaces glutamine 1176 with a stop codon.
Molecular consequence: nonsense. On other transcripts: intron variant (1).
Genome position (GRCh38, 1-based): chr8:60,830,325, C>T. VCF-style: chr8-60830325-C-T. GRCh37 (hg19) VCF-style: chr8-61742884-C-T.
Other names: c.3526C>T (LRG_176t1); c.1717-31904C>T (NM_001316690.1); short protein forms Q1176*.
Identifiers: ClinVar variation 267425 (VCV000267425.2), dbSNP rs886040986, ClinGen allele CA10602492.
Genomic context (GRCh38, chr8:60,830,325, plus strand): 5'-ATGTTTTAACTTGCAAGCAAATCATGACACTAGTATTTACTTAAGGTCCTTTTTTAGGTG[C>T]AAAAACTTCAAGCTATTCTAAAGCCAATGATGTTGAGACGTCTCAAAGAGGATGTAGAAA-3'

ClinVar aggregate classification (germline): Pathogenic (1 of 4 stars; one submission).

Conditions:
CHARGE syndrome (CHARGE). Also called: Hittner Hirsch Kreh syndrome; Coloboma, heart anomaly, choanal atresia, retardation, genital and ear anomalies; CHARGE association; Hall-Hittner syndrome; CHARGE ASSOCIATION--COLOBOMA, HEART ANOMALY, CHOANAL ATRESIA, RETARDATION, GENITAL AND EAR ANOMALIES. Identifiers: Orphanet 138, MedGen C0265354, MONDO:0008965.

Submission:

Genomic Diagnostic Laboratory, Division of Genomic Diagnostics, Children's Hospital of Philadelphia
Classification: Pathogenic for CHARGE syndrome. Last evaluated: 2016-09-05. Review status: criteria provided, single submitter. Criteria: DGD Variant Analysis Guidelines. Collection method: clinical testing. Allele origin: germline. Affected: yes. Observed: 1 variant allele.
Comment: Clinical Testing